The following is an entry in ClinVar:

ClinVar aggregate classification (germline): Uncertain significance (1 of 4 stars; one submission).

Conditions:
Inborn genetic diseases. Identifiers: MedGen C0950123, MeSH D030342.

Submission:

Ambry Genetics
Classification: Uncertain significance for Inborn genetic diseases. Last evaluated: 2025-03-30. Review status: criteria provided, single submitter. Criteria: Ambry Variant Classification Scheme 2023. Collection method: clinical testing. Allele origin: germline.
Comment: The p.F6L variant (also known as c.18C>G), located in coding exon 1 of the CEBPA gene, results from a C to G substitution at nucleotide position 18. The phenylalanine at codon 6 is replaced by leucine, an amino acid with highly similar properties. This amino acid position is conserved. In addition, this alteration is predicted to be tolerated by in silico analysis. Based on the available evidence, the clinical significance of this variant remains unclear.

NM_004364.5(CEBPA):c.18C>G (p.Phe6Leu)

Genes: CEBPA (CCAAT enhancer binding protein alpha; minus strand), LOC130064183 (ATAC-STARR-seq lymphoblastoid silent region 10495; plus strand). Cytogenetic location: 19q13.11.
Variant type: single nucleotide variant.
Coding change: c.18C>G on transcript NM_004364.5 (MANE Select); coding-DNA position 18, C replaced by G.
Protein change: p.Phe6Leu; replaces phenylalanine 6 with leucine.
Molecular consequence: missense variant. On other transcripts: 5 prime UTR variant (2).
Genome position (GRCh38, 1-based): chr19:33,302,397, G>C on the plus strand (C>G on the coding strand, the complement: CEBPA is on the minus strand). VCF-style: chr19-33302397-G-C. GRCh37 (hg19) VCF-style: chr19-33793303-G-C.
Other names: c.-340C>G (NM_001285829.2); c.123C>G, p.Phe41Leu (NM_001287424.2); c.-25C>G (NM_001287435.2); short protein forms F41L, F6L.
Identifiers: ClinVar variation 3999984 (VCV003999984.1).